The following is an entry in ClinVar:

NM_001111.5(ADAR):c.3100A>G (p.Met1034Val)

Gene: ADAR (adenosine deaminase RNA specific; minus strand). Cytogenetic location: 1q21.3.
Variant type: single nucleotide variant.
Coding change: c.3100A>G on transcript NM_001111.5 (MANE Select); coding-DNA position 3100, A replaced by G.
Protein change: p.Met1034Val; replaces methionine 1034 with valine.
Molecular consequence: missense variant.
Genome position (GRCh38, 1-based): chr1:154,586,283, T>C on the plus strand (A>G on the coding strand, the complement: ADAR is on the minus strand). VCF-style: chr1-154586283-T-C. GRCh37 (hg19) VCF-style: chr1-154558759-T-C.
Other names: c.2215A>G, p.Met739Val (NM_001193495.2, NM_001365046.1, NM_001365047.1 and 2 more transcripts); c.3127A>G, p.Met1043Val (NM_001365045.1); c.2137A>G, p.Met713Val (NM_001365049.1); c.3022A>G, p.Met1008Val (NM_015840.4); c.2965A>G, p.Met989Val (NM_015841.4); short protein forms M1008V, M1034V, M1043V, M713V, M739V, M989V.
Identifiers: ClinVar variation 3759022 (VCV003759022.2).

ClinVar aggregate classification (germline): Uncertain significance (1 of 4 stars; one submission).

Conditions:
Symmetrical dyschromatosis of extremities (DSH). Also called: DYSCHROMATOSIS SYMMETRICA HEREDITARIA 1; RETICULATE ACROPIGMENTATION OF DOHI; SYMMETRIC DYSCHROMATOSIS OF THE EXTREMITIES; Dyschromatosis symmetrica hereditaria. Identifiers: Orphanet 41, MedGen C0406775, MONDO:0007483, OMIM 127400.
Aicardi-Goutieres syndrome 6 (AGS6). Identifiers: Orphanet 51, MedGen C3539013, MONDO:0014007, OMIM 615010.

Submission:

Labcorp Genetics (formerly Invitae), Labcorp
Classification: Uncertain significance for Aicardi-Goutieres syndrome 6; Symmetrical dyschromatosis of extremities. Last evaluated: 2024-06-12. Review status: criteria provided, single submitter. Criteria: Invitae Variant Classification Sherloc (09022015). Collection method: clinical testing. Allele origin: germline.
Comment: This sequence change replaces methionine, which is neutral and non-polar, with valine, which is neutral and non-polar, at codon 1034 of the ADAR protein (p.Met1034Val). This variant is not present in population databases (gnomAD no frequency). This missense change has been observed in individual(s) with ADAR-related conditions (PMID: 25604658, 27943079, 28561207). Advanced modeling of protein sequence and biophysical properties (such as structural, functional, and spatial information, amino acid conservation, physicochemical variation, residue mobility, and thermodynamic stability) has been performed at Invitae for this missense variant, however the output from this modeling did not meet the statistical confidence thresholds required to predict the impact of this variant on ADAR protein function. In summary, the available evidence is currently insufficient to determine the role of this variant in disease. Therefore, it has been classified as a Variant of Uncertain Significance.

Literature cited by the submitters: PubMed 25604658; PubMed 27943079; PubMed 28561207.